The following is an entry in ClinVar:

ClinVar aggregate classification (germline): Pathogenic (1 of 4 stars; one submission).

Conditions:
Tuberous sclerosis 2 (TSC2). Identifiers: Orphanet 805, MedGen C1860707, MONDO:0013199, OMIM 613254.

Submission:

Labcorp Genetics (formerly Invitae), Labcorp
Classification: Pathogenic for Tuberous sclerosis 2. Last evaluated: 2023-10-25. Review status: criteria provided, single submitter. Criteria: Invitae Variant Classification Sherloc (09022015). Collection method: clinical testing. Allele origin: unknown.
Comment: This variant is a gross deletion of the genomic region encompassing exon(s) 4-42 of the TSC2 gene, which includes the termination codon. This deletion extends beyond the assayed region for this gene and therefore may encompass additional genes. While this deletion is not anticipated to lead to nonsense mediated decay, it is expected to alter mRNA translation or result in a truncated protein product. This variant has not been reported in the literature in individuals affected with TSC2-related conditions. This variant disrupts a region of the TSC2 protein in which other variant(s) (p.Lys1748Glnfs*13) have been determined to be pathogenic (Invitae). This suggests that this is a clinically significant region of the protein, and that variants that disrupt it are likely to be disease-causing. For these reasons, this variant has been classified as Pathogenic.

NC_000016.9:g.(?_2103323)_(2138611_?)del

Gene: TSC2 (TSC complex subunit 2; plus strand). Cytogenetic location: 16p13.3.
Variant type: Deletion.
Identifiers: ClinVar variation 3243456 (VCV003243456.1).